The following is an entry in ClinVar:

ClinVar aggregate classification (germline): Uncertain significance (1 of 4 stars; one submission).

Conditions:
Rubinstein-Taybi syndrome (RSTS). Identifiers: Orphanet 783, MedGen C0035934, MONDO:0019188.

Submission:

Labcorp Genetics (formerly Invitae), Labcorp
Classification: Uncertain significance for Rubinstein-Taybi syndrome. Last evaluated: 2025-06-12. Review status: criteria provided, single submitter. Criteria: Invitae Variant Classification Sherloc (09022015). Collection method: clinical testing. Allele origin: germline.
Comment: This variant, c.6339_6356dup, results in the insertion of 6 amino acid(s) of the CREBBP protein (p.Met2115_Gly2120dup), but otherwise preserves the integrity of the reading frame. This variant is present in population databases (no rsID available, gnomAD 0.0009%). This variant has not been reported in the literature in individuals affected with CREBBP-related conditions. ClinVar contains an entry for this variant (Variation ID: 2877443). In summary, the available evidence is currently insufficient to determine the role of this variant in disease. Therefore, it has been classified as a Variant of Uncertain Significance.

NM_004380.3(CREBBP):c.6339_6356dup (p.Gly2120_Leu2121insMetGlnProGlnProGly)

Gene: CREBBP (CREB binding lysine acetyltransferase; minus strand). Cytogenetic location: 16p13.3.
Variant type: Duplication.
Coding change: c.6339_6356dup on transcript NM_004380.3 (MANE Select); coding-DNA positions 6339 to 6356, 18 bases duplicated (CGGCATGCAGCCCCAGCC).
Protein change: p.Gly2120_Leu2121insMetGlnProGlnProGly.
Molecular consequence: inframe insertion.
Genome position (GRCh38, 1-based): chr16:3,728,691-3,728,708, GGCTGGGGCTGCATGCCG duplicated on the plus strand (CGGCATGCAGCCCCAGCC on the coding strand, the reverse complement: CREBBP is on the minus strand); duplicating any 18 consecutive bases within chr16:3,728,691-3,728,713 gives the same sequence; the c. name uses the placement nearest the transcript's 3' end. VCF-style (leftmost placement, unchanged base first): chr16-3728690-A-AGGCTGGGGCTGCATGCCG. GRCh37 (hg19) VCF-style: chr16-3778691-A-AGGCTGGGGCTGCATGCCG.
Other names: c.6225_6242dup, p.Gly2082_Leu2083insMetGlnProGlnProGly (NM_001079846.1).
Identifiers: ClinVar variation 2877443 (VCV002877443.3), dbSNP rs1254559834, ClinGen allele CA620714437.